The following is an entry in ClinVar:

NM_001009944.3(PKD1):c.6625G>T (p.Val2209Leu)

Gene: PKD1 (polycystin 1, transient receptor potential channel interacting; minus strand). Cytogenetic location: 16p13.3.
Variant type: single nucleotide variant.
Coding change: c.6625G>T on transcript NM_001009944.3 (MANE Select); coding-DNA position 6625, G replaced by T.
Protein change: p.Val2209Leu; replaces valine 2209 with leucine.
Molecular consequence: missense variant.
Genome position (GRCh38, 1-based): chr16:2,108,542, C>A on the plus strand (G>T on the coding strand, the complement: PKD1 is on the minus strand). VCF-style: chr16-2108542-C-A. GRCh37 (hg19) VCF-style: chr16-2158543-C-A.
Other names: c.6625G>T, p.Val2209Leu (NM_000296.4); short protein forms V2209L.
Identifiers: ClinVar variation 997185 (VCV000997185.1), dbSNP rs745677305, ClinGen allele CA394373198.

ClinVar aggregate classification (germline): Likely benign (0 of 4 stars; one submission).

Conditions:
Polycystic kidney disease. Also called: Polycystic kidney dysplasia; Kidney, Polycystic. Identifiers: MedGen C0022680, MeSH D007690, MONDO:0020642, HP:0000113.

Submission:

Department of Pathology and Laboratory Medicine, Sinai Health System
Classification: Likely benign for Polycystic Kidney disease. Review status: no assertion criteria provided. Collection method: clinical testing. Allele origin: unknown. Affected: yes. Study: The Canadian Open Genetics Repository (COGR).
Comment: The PKD1 p.Val2209Leu variant was not identified in the literature nor was it identified in the dbSNP, ClinVar, COGR, LOVD 3.0, ADPKD Mutation Database, or PKD1-LOVD databases. The variant was not identified in the following control databases: the 1000 Genomes Project, the NHLBI GO Exome Sequencing Project, the Exome Aggregation Consortium (August 8th 2016), or the Genome Aggregation Database (Feb 27, 2017). The p.Val2209 residue is conserved in mammals and computational analyses (PolyPhen-2, SIFT, AlignGVGD, BLOSUM, MutationTaster) provide inconsistent predictions regarding the impact to the protein; this information is not very predictive of pathogenicity. In summary, based on the above information the clinical significance of this variant cannot be determined with certainty at this time although we would lean towards a more benign role for this variant. This variant is classified as likely benign.